The following is an entry in ClinVar:

ClinVar aggregate classification (germline): Likely benign (1 of 4 stars; one submission).

gnomAD v4.1: 1 of 1,614,156 alleles (0.000062%); no homozygotes.

Submission:

CeGaT Center for Human Genetics Tuebingen
Classification: Likely benign. Last evaluated: 2022-06-01. Review status: criteria provided, single submitter. Criteria: CeGaT Center For Human Genetics Tuebingen Variant Classification Criteria Version 2. Collection method: clinical testing. Allele origin: germline. Affected: yes. Observed: 1 variant allele.
Comment: ADAMTSL3: BP4, BP7

NM_207517.3(ADAMTSL3):c.4878C>T (p.His1626=)

Gene: ADAMTSL3 (ADAMTS like 3; plus strand). Cytogenetic location: 15q25.2.
Variant type: single nucleotide variant.
Coding change: c.4878C>T on transcript NM_207517.3 (MANE Select); coding-DNA position 4878, C replaced by T.
Protein change: p.His1626=; no amino-acid change (histidine 1626 retained).
Molecular consequence: synonymous variant.
Genome position (GRCh38, 1-based): chr15:84,036,896, C>T. VCF-style: chr15-84036896-C-T. GRCh37 (hg19) VCF-style: chr15-84705648-C-T.
Other names: c.4878C>T, p.His1626= (NM_001301110.2).
Identifiers: ClinVar variation 2645646 (VCV002645646.24), dbSNP rs1347594059, ClinGen allele CA491832505.